The following is an entry in ClinVar:

ClinVar aggregate classification (germline): Benign (1 of 4 stars; one submission).

Conditions:
Thyroid hormone resistance, generalized, autosomal dominant (GRTHD). Also called: HYPERTHYROXINEMIA, FAMILIAL EUTHYROID, SECONDARY TO PITUITARY AND PERIPHERAL RESISTANCE TO THYROID HORMONES. Identifiers: MedGen C2937288, MONDO:0008569, OMIM 188570.

Allele frequency attached by ClinVar (database versions not stated): gnomAD 0.00006 and 0.00064; TOPMed 0.00018; 1000 Genomes Project 0.00419; 1000 Genomes Project 30x 0.00500.

Submission:

Illumina Laboratory Services, Illumina
Classification: Benign for Thyroid hormone resistance, generalized, autosomal dominant. Last evaluated: 2018-01-13. Review status: criteria provided, single submitter. Criteria: ICSL Variant Classification Criteria 13 December 2019. Collection method: clinical testing. Allele origin: germline.
Comment: This variant was observed in the ICSL laboratory as part of a predisposition screen in an ostensibly healthy population. It had not been previously curated by ICSL or reported in the Human Gene Mutation Database (HGMD: prior to June 1st, 2018), and was therefore a candidate for classification through an automated scoring system. Utilizing variant allele frequency, disease prevalence and penetrance estimates, and inheritance mode, an automated score was calculated to assess if this variant is too frequent to cause the disease. Based on the score and internal cut-off values, a variant classified as benign is not then subjected to further curation. The score for this variant resulted in a classification of benign for this disease.

NM_001354712.2(THRB):c.*4205A>G

Gene: THRB (thyroid hormone receptor beta; minus strand). Cytogenetic location: 3p24.2.
Variant type: single nucleotide variant.
Coding change: c.*4205A>G on transcript NM_001354712.2 (MANE Select); 4205 bases downstream of the stop codon, A replaced by G.
Molecular consequence: 3 prime UTR variant.
Genome position (GRCh38, 1-based): chr3:24,118,679, T>C on the plus strand (A>G on the coding strand, the complement: THRB is on the minus strand). VCF-style: chr3-24118679-T-C. GRCh37 (hg19) VCF-style: chr3-24160170-T-C.
Other names: c.*4205A>G (NM_000461.5, NM_001128176.3, NM_001128177.2 and 8 more transcripts).
Identifiers: ClinVar variation 344559 (VCV000344559.5), dbSNP rs376819021, ClinGen allele CA10615509.